The following is an entry in ClinVar:

NM_005751.5(AKAP9):c.8886G>C (p.Glu2962Asp)

Gene: AKAP9 (A-kinase anchoring protein 9; plus strand). Cytogenetic location: 7q21.2.
Variant type: single nucleotide variant.
Coding change: c.8886G>C on transcript NM_005751.5 (MANE Select); coding-DNA position 8886, G replaced by C.
Protein change: p.Glu2962Asp; replaces glutamic acid 2962 with aspartic acid.
Molecular consequence: missense variant.
Genome position (GRCh38, 1-based): chr7:92,085,548, G>C. VCF-style: chr7-92085548-G-C. GRCh37 (hg19) VCF-style: chr7-91714862-G-C.
Other names: c.3531G>C, p.Glu1177Asp (NM_001379277.1); c.8862G>C, p.Glu2954Asp (NM_147185.3); short protein forms E2954D, E2962D, E1177D.
Identifiers: ClinVar variation 3702032 (VCV003702032.2).
Genomic context (GRCh38, chr7:92,085,548, plus strand): 5'-TTTCCAGGGATTACTGAGAGCTGTCCATAATGAAGGCATGCAGGTGCTTTCTCTCACTGA[G>C]TCTCCCTATAGTGATGGAGAGGACCATTCTATTCAGCAGGTTTCAGAACCTTGGCTAGAA-3'
Protein context (NP_005742.4, residues 2952-2972): NEGMQVLSLT[Glu2962Asp]SPYSDGEDHS

ClinVar aggregate classification (germline): Uncertain significance (1 of 4 stars; one submission).

Conditions:
Long QT syndrome (LQTS). Identifiers: MedGen C0023976, MeSH D008133, MONDO:0002442. Disease mechanism: loss of function. Inheritance: Various modes of inheritance.

gnomAD v4.1: 1 of 1,614,054 alleles (0.000062%); highest among the groups gnomAD compares: Non-Finnish European, 0.000085%; no homozygotes.

Submission:

Labcorp Genetics (formerly Invitae), Labcorp
Classification: Uncertain significance for Long QT syndrome. Last evaluated: 2024-06-19. Review status: criteria provided, single submitter. Criteria: Invitae Variant Classification Sherloc (09022015). Collection method: clinical testing. Allele origin: germline.
Comment: This sequence change replaces glutamic acid, which is acidic and polar, with aspartic acid, which is acidic and polar, at codon 2962 of the AKAP9 protein (p.Glu2962Asp). This variant is not present in population databases (gnomAD no frequency). This variant has not been reported in the literature in individuals affected with AKAP9-related conditions. Algorithms developed to predict the effect of missense changes on protein structure and function output the following: SIFT: "Not Available"; PolyPhen-2: "Probably Damaging"; Align-GVGD: "Not Available". The aspartic acid amino acid residue is found in multiple mammalian species, which suggests that this missense change does not adversely affect protein function. In summary, the available evidence is currently insufficient to determine the role of this variant in disease. Therefore, it has been classified as a Variant of Uncertain Significance.